The following is an entry in ClinVar:

NM_001927.4(DES):c.634C>T (p.Arg212Ter)

Gene: DES (desmin; plus strand). Cytogenetic location: 2q35.
Variant type: single nucleotide variant.
Coding change: c.634C>T on transcript NM_001927.4 (MANE Select); coding-DNA position 634, C replaced by T.
Protein change: p.Arg212Ter; replaces arginine 212 with a stop codon.
Molecular consequence: nonsense.
Genome position (GRCh38, 1-based): chr2:219,420,150, C>T. VCF-style: chr2-219420150-C-T. GRCh37 (hg19) VCF-style: chr2-220284872-C-T.
Other names: p.R212*:CGA>TGA; c.634C>T (LRG_380t1); short protein forms R212*.
Identifiers: ClinVar variation 201722 (VCV000201722.20), dbSNP rs781590560, ClinGen allele CA308316.
Genomic context (GRCh38, chr2:219,420,150, plus strand): 5'-CCCAGGCTGCAGGAGGAGATTCAGTTGAAGGAAGAAGCAGAGAACAATTTGGCTGCCTTC[C>T]GAGCGGTGAGTGCCCTTCTTTTCCCCTTGCATGGCCTCTGGCCTTGCTCTGCCCCACCTG-3'

ClinVar aggregate classification (germline): Conflicting classifications of pathogenicity. Review status: criteria provided, conflicting classifications (1 of 4 stars). 5 submissions from 5 submitters: Pathogenic (3); Likely pathogenic (1); Uncertain significance (1). Last evaluated 2026-08-31.

Conditions:
Cardiovascular phenotype. Identifiers: MedGen CN230736.
Desmin-related myofibrillar myopathy (MFM1). Also called: Desminopathy; Myofibrillar myopathy 1; MYOFIBRILLAR MYOPATHY WITH ARRHYTHMOGENIC RIGHT VENTRICULAR CARDIOMYOPATHY; DESMIN-RELATED MYOPATHY WITH ARRHYTHMOGENIC RIGHT VENTRICULAR CARDIOMYOPATHY; Desmin related myopathy (former name); Desmin storage myopathy (former name). Identifiers: Orphanet 363543, Orphanet 98909, MedGen C1832370, MONDO:0011076, OMIM 601419.
Dilated cardiomyopathy 1I (CMD1I). Identifiers: Orphanet 154, MedGen C1858154, MONDO:0011482, OMIM 604765.
Neurogenic scapuloperoneal syndrome, Kaeser type (SCPNK). Also called: KAESER SYNDROME. Identifiers: Orphanet 85146, MedGen C1867005, MONDO:0008407, OMIM 181400.

Allele frequency attached by ClinVar (database versions not stated): TOPMed below 0.00001; gnomAD 0.00001; ExAC 0.00002; gnomAD exomes 0.00001.

Submissions (5):

Ambry Genetics
Classification: Uncertain significance for Cardiovascular phenotype. Last evaluated: 2026-08-31. Review status: criteria provided, single submitter. Criteria: Ambry Variant Classification Scheme 2023. Collection method: clinical testing. Allele origin: germline.
Comment: The p.R212* variant (also known as c.634C>T), located in coding exon 2 of the DES gene, results from a C to T substitution at nucleotide position 634. This changes the amino acid from an arginine to a stop codon within coding exon 2. This variant has been identified in the homozygous state in individual(s) with features consistent with DES-related myofibrillar myopathy (Shelly S et al. Neurology, 2021 Sep;97:e1150-e1158; Onore ME et al. Int J Mol Sci, 2022 Dec;23:). This alteration is expected to result in loss of function by premature protein truncation or nonsense-mediated mRNA decay. Although biallelic loss of function of DES has been associated with autosomal recessive DES-related myofibrillar myopathy, haploinsufficiency of DES has not been established as a mechanism of disease for autosomal dominant DES-related myopathy. Based on the supporting evidence, this variant is expected to be causative of autosomal recessive DES-related myofibrillar myopathy when present along with a second pathogenic variant on the other allele; however, its clinical significance for autosomal dominant DES-related myopathy is unclear.

GeneDx
Classification: Pathogenic. Last evaluated: 2026-08-19. Review status: criteria provided, single submitter. Criteria: GeneDx Variant Classification Process June 2021. Collection method: clinical testing. Allele origin: germline.
Comment: Not observed at significant frequency in large population cohorts (gnomAD); Nonsense variant predicted to result in protein truncation or nonsense mediated decay in a gene for which loss of function is a known mechanism of disease; This variant is associated with the following publications: (PMID: 21520333, 33144682, 36555543, 36129056, 40164689)

Labcorp Genetics (formerly Invitae), Labcorp
Classification: Pathogenic for Desmin-related myofibrillar myopathy. Last evaluated: 2026-01-26. Review status: criteria provided, single submitter. Criteria: Invitae Variant Classification Sherloc (09022015). Collection method: clinical testing. Allele origin: germline.
Comment: This sequence change creates a premature translational stop signal (p.Arg212*) in the DES gene. It is expected to result in an absent or disrupted protein product. Loss-of-function variants in DES are known to be pathogenic (PMID: 23575897). This variant is present in population databases (rs781590560, gnomAD 0.002%). This variant has not been reported in the literature in individuals affected with DES-related conditions. ClinVar contains an entry for this variant (Variation ID: 201722). For these reasons, this variant has been classified as Pathogenic.

Dasa
Classification: Pathogenic. Last evaluated: 2025-02-25. Review status: criteria provided, single submitter. Criteria: DASA Assertion Criteria. Collection method: clinical testing. Allele origin: germline.
Comment: NM_001927.4(DES):c.634C>T (p.Arg212*) introduces a premature termination codon predicted to result in loss of normal protein function. Loss-of-function is an established mechanism of disease for this gene. This variant has been observed in affected individuals with related phenotype in a genotype context consistent with recessive disease. The variant is present at low frequency in population datasets. Based on the available data, this variant is classified as pathogenic.

Fulgent Genetics
Classification: Likely pathogenic for Neurogenic scapuloperoneal syndrome, Kaeser type; Desmin-related myofibrillar myopathy; Dilated cardiomyopathy 1I. Last evaluated: 2021-11-09. Review status: criteria provided, single submitter. Criteria: ACMG Guidelines, 2015. Collection method: clinical testing. Allele origin: unknown.

Literature cited by the submitters: PubMed 34315782 (cited by Ambry Genetics); PubMed 36555543 (cited by Ambry Genetics); PubMed 23575897 (cited by Labcorp Genetics (formerly Invitae), Labcorp).